The following is an entry in ClinVar:

ClinVar aggregate classification (germline): Uncertain significance. Review status: criteria provided, multiple submitters, no conflicts (2 of 4 stars). 3 submissions from 3 submitters: Uncertain significance (3). Last evaluated 2021-12-12.

Conditions:
Bardet-Biedl syndrome (BBS). Identifiers: Orphanet 110, MedGen C0752166, MONDO:0015229.
Bardet-Biedl syndrome 9 (BBS9). Identifiers: Orphanet 110, MedGen C1859567, MONDO:0014437, OMIM 615986.

Submissions (3):

Fulgent Genetics
Classification: Uncertain significance for Bardet-Biedl syndrome 9. Last evaluated: 2021-12-12. Review status: criteria provided, single submitter. Criteria: ACMG Guidelines, 2015. Collection method: clinical testing. Allele origin: unknown.

Labcorp Genetics (formerly Invitae), Labcorp
Classification: Uncertain significance for Bardet-Biedl syndrome. Last evaluated: 2021-06-02. Review status: criteria provided, single submitter. Criteria: Invitae Variant Classification Sherloc (09022015). Collection method: clinical testing. Allele origin: germline.
Comment: This sequence change replaces serine with phenylalanine at codon 188 of the BBS9 protein (p.Ser188Phe). The serine residue is highly conserved and there is a large physicochemical difference between serine and phenylalanine. This variant is not present in population databases (ExAC no frequency). This variant has not been reported in the literature in individuals with BBS9-related conditions. Algorithms developed to predict the effect of missense changes on protein structure and function (SIFT, PolyPhen-2, Align-GVGD) all suggest that this variant is likely to be disruptive, but these predictions have not been confirmed by published functional studies and their clinical significance is uncertain. In summary, the available evidence is currently insufficient to determine the role of this variant in disease. Therefore, it has been classified as a Variant of Uncertain Significance.

Blueprint Genetics
Classification: Uncertain significance. Last evaluated: 2020-01-23. Review status: criteria provided, single submitter. Criteria: ACMG Guidelines, 2015. Collection method: clinical testing. Allele origin: germline.

NM_198428.3(BBS9):c.563C>T (p.Ser188Phe)

Gene: BBS9 (Bardet-Biedl syndrome 9; plus strand). Cytogenetic location: 7p14.3.
Variant type: single nucleotide variant.
Coding change: c.563C>T on transcript NM_198428.3 (MANE Select); coding-DNA position 563, C replaced by T.
Protein change: p.Ser188Phe; replaces serine 188 with phenylalanine.
Molecular consequence: missense variant. On other transcripts: non-coding transcript variant (3).
Genome position (GRCh38, 1-based): chr7:33,257,356, C>T. VCF-style: chr7-33257356-C-T. GRCh37 (hg19) VCF-style: chr7-33296968-C-T.
Other names: c.563C>T, p.Ser188Phe (NM_001033604.2, NM_001033605.2, NM_001348036.1 and 5 more transcripts); c.197C>T, p.Ser66Phe (NM_001348037.3, NM_001348044.3, NM_001348045.3 and 1 more transcripts); c.290C>T, p.Ser97Phe (NM_001348038.3, NM_001348039.3); c.428C>T, p.Ser143Phe (NM_001348042.3); short protein forms S188F, S97F, S143F, S66F.
Identifiers: ClinVar variation 1399014 (VCV001399014.10), dbSNP rs2128312652, ClinGen allele CA367252940.